The following is an entry in ClinVar:

NM_005677.4(COLQ):c.701G>A (p.Gly234Glu)

Gene: COLQ (collagen like tail subunit of asymmetric acetylcholinesterase; minus strand). Cytogenetic location: 3p25.1.
Variant type: single nucleotide variant.
Coding change: c.701G>A on transcript NM_005677.4 (MANE Select); coding-DNA position 701, G replaced by A.
Protein change: p.Gly234Glu; replaces glycine 234 with glutamic acid.
Molecular consequence: missense variant.
Genome position (GRCh38, 1-based): chr3:15,470,552, C>T on the plus strand (G>A on the coding strand, the complement: COLQ is on the minus strand). VCF-style: chr3-15470552-C-T. GRCh37 (hg19) VCF-style: chr3-15512059-C-T.
Other names: c.671G>A, p.Gly224Glu (NM_080538.2); c.599G>A, p.Gly200Glu (NM_080539.4); short protein forms G200E, G224E, G234E.
Identifiers: ClinVar variation 1717334 (VCV001717334.5), dbSNP rs1559517774, ClinGen allele CA351597929.

ClinVar aggregate classification (germline): Uncertain significance (1 of 4 stars; one submission).

Conditions:
Congenital myasthenic syndrome 5. Identifiers: Orphanet 590, MedGen C1864233, MONDO:0011281, OMIM 603034.

gnomAD v4.1: 1 of 1,614,004 alleles (0.000062%); no homozygotes.

Submission:

Labcorp Genetics (formerly Invitae), Labcorp
Classification: Uncertain significance for Congenital myasthenic syndrome 5. Last evaluated: 2022-08-21. Review status: criteria provided, single submitter. Criteria: Invitae Variant Classification Sherloc (09022015). Collection method: clinical testing. Allele origin: germline.
Comment: In summary, the available evidence is currently insufficient to determine the role of this variant in disease. Therefore, it has been classified as a Variant of Uncertain Significance. Algorithms developed to predict the effect of missense changes on protein structure and function are either unavailable or do not agree on the potential impact of this missense change (SIFT: "Deleterious"; PolyPhen-2: "Not Available"; Align-GVGD: "Class C65"). This variant has not been reported in the literature in individuals affected with COLQ-related conditions. This variant is not present in population databases (gnomAD no frequency). This sequence change replaces glycine, which is neutral and non-polar, with glutamic acid, which is acidic and polar, at codon 234 of the COLQ protein (p.Gly234Glu).